The following is an entry in ClinVar:

ClinVar aggregate classification (germline): Pathogenic (1 of 4 stars; one submission).

Conditions:
Pituitary hormone deficiency.

Allele frequency attached by ClinVar (database versions not stated): gnomAD exomes below 0.00001.

Submission:

Cambridge Genomics Laboratory, East Genomic Laboratory Hub, NHS Genomic Medicine Service
Classification: Pathogenic for Pituitary hormone deficiency. Last evaluated: 2024-03-06. Review status: criteria provided, single submitter. Criteria: ACGS Best Practice Guidelines for Variant Classification in Rare Disease 2020. Collection method: clinical testing. Allele origin: germline. Affected: yes.
Comment: The p.Gln368Ter variant is observed in 1/18.332 (0.0055%) alleles from individuals of gnomAD East Asian background in gnomAD All. The p.Gln368Ter variant is novel (not in any individuals) in 1kG All. The p.Gln368Ter variant is novel (not in any individuals) in gnomAD Genomes v3 All. (PM2 - Moderate) | The variant removes more than 10% of the protein. The p.Gln368Ter variant is a loss of function variant in the gene GHRHR, which is intolerant of Loss of Function variants, as indicated by the presence of existing pathogenic loss of function variant NP_000814.2:p.A8Gfs*22 and 5 others. (PVS1_Strong - Strong) | The variant is observed in trans (in a compound heterozygous state) with another pathogenic variant. (PM3_Strong - Strong)

NM_000823.4(GHRHR):c.1102C>T (p.Gln368Ter)

Gene: GHRHR (growth hormone releasing hormone receptor; plus strand). Cytogenetic location: 7p14.3.
Variant type: single nucleotide variant.
Coding change: c.1102C>T on transcript NM_000823.4 (MANE Select); coding-DNA position 1102, C replaced by T.
Protein change: p.Gln368Ter; replaces glutamine 368 with a stop codon.
Molecular consequence: nonsense.
Genome position (GRCh38, 1-based): chr7:30,976,556, C>T. VCF-style: chr7-30976556-C-T. GRCh37 (hg19) VCF-style: chr7-31016171-C-T.
Other names: short protein forms Q368*.
Identifiers: ClinVar variation 1012249 (VCV001012249.2), dbSNP rs1368616115.